The following is an entry in ClinVar:

NM_133433.4(NIPBL):c.4514C>G (p.Pro1505Arg)

Gene: NIPBL (NIPBL cohesin loading factor; plus strand). Cytogenetic location: 5p13.2.
Variant type: single nucleotide variant.
Coding change: c.4514C>G on transcript NM_133433.4 (MANE Select); coding-DNA position 4514, C replaced by G.
Protein change: p.Pro1505Arg; replaces proline 1505 with arginine.
Molecular consequence: missense variant.
Genome position (GRCh38, 1-based): chr5:37,010,179, C>G. VCF-style: chr5-37010179-C-G. GRCh37 (hg19) VCF-style: chr5-37010281-C-G.
Other names: c.4514C>G, p.Pro1505Arg (NM_001438586.1, NM_015384.5); short protein forms P1505R.
Identifiers: ClinVar variation 4796796 (VCV004796796.1).

ClinVar aggregate classification (germline): Uncertain significance (1 of 4 stars; one submission).

Conditions:
Cornelia de Lange syndrome 1 (CDLS1). Also called: TYPUS DEGENERATIVUS AMSTELODAMENSIS; Brachmann de Lange syndrome; NIPBL-Related Cornelia de Lange Syndrome. Identifiers: Orphanet 199, MedGen C4551851, MONDO:0007387, OMIM 122470.

gnomAD v4.1: 4 of 1,610,848 alleles (0.00025%); highest among the groups gnomAD compares: Non-Finnish European, 0.00034%; no homozygotes.

Submission:

MVZ Medizinische Genetik Mainz
Classification: Uncertain significance for Cornelia de Lange syndrome 1. Last evaluated: 2026-01-27. Review status: criteria provided, single submitter. Criteria: UK Practice Guidelines For Variant Classification V4 01 2020. Collection method: clinical testing. Allele origin: germline. Inheritance: Autosomal dominant inheritance. Affected: yes. Observed: 1 variant allele.
Comment: ACMG Criteria: PP3_MOD,PM2_SUP,PP2